The following is an entry in ClinVar:

ClinVar aggregate classification (germline): Uncertain significance (1 of 4 stars; one submission).

Conditions:
Charcot-Marie-Tooth disease axonal type 2O. Also called: CHARCOT-MARIE-TOOTH NEUROPATHY, AXONAL, TYPE 2O; CHARCOT-MARIE-TOOTH DISEASE, AXONAL, AUTOSOMAL DOMINANT, TYPE 2O; Charcot-Marie-Tooth Neuropathy Type 2O; Charcot-Marie-Tooth disease, axonal, type 20. Identifiers: Orphanet 284232, MedGen C3280220, MONDO:0013644, OMIM 614228.

Submission:

Labcorp Genetics (formerly Invitae), Labcorp
Classification: Uncertain significance for Charcot-Marie-Tooth disease axonal type 2O. Last evaluated: 2023-08-04. Review status: criteria provided, single submitter. Criteria: Invitae Variant Classification Sherloc (09022015). Collection method: clinical testing. Allele origin: germline.
Comment: In summary, the available evidence is currently insufficient to determine the role of this variant in disease. Therefore, it has been classified as a Variant of Uncertain Significance. Advanced modeling of protein sequence and biophysical properties (such as structural, functional, and spatial information, amino acid conservation, physicochemical variation, residue mobility, and thermodynamic stability) performed at Invitae indicates that this missense variant is not expected to disrupt DYNC1H1 protein function. ClinVar contains an entry for this variant (Variation ID: 1475997). This variant has not been reported in the literature in individuals affected with DYNC1H1-related conditions. This variant is not present in population databases (gnomAD no frequency). This sequence change replaces glutamic acid, which is acidic and polar, with aspartic acid, which is acidic and polar, at codon 2406 of the DYNC1H1 protein (p.Glu2406Asp).

NM_001376.5(DYNC1H1):c.7218G>C (p.Glu2406Asp)

Gene: DYNC1H1 (dynein cytoplasmic 1 heavy chain 1; plus strand). Cytogenetic location: 14q32.31.
Variant type: single nucleotide variant.
Coding change: c.7218G>C on transcript NM_001376.5 (MANE Select); coding-DNA position 7218, G replaced by C.
Protein change: p.Glu2406Asp; replaces glutamic acid 2406 with aspartic acid.
Molecular consequence: missense variant.
Genome position (GRCh38, 1-based): chr14:102,015,308, G>C. VCF-style: chr14-102015308-G-C. GRCh37 (hg19) VCF-style: chr14-102481645-G-C.
Other names: short protein forms E2406D.
Identifiers: ClinVar variation 1475997 (VCV001475997.6), dbSNP rs2152581615, ClinGen allele CA391060466.